The following is an entry in ClinVar:

ClinVar aggregate classification (germline): Uncertain significance (1 of 4 stars; one submission).

Conditions:
Ellis-van Creveld syndrome (EVC). Also called: EVC-Related Ellis-van Creveld Syndrome; EVC2-Related Ellis-van Creveld Syndrome; MESOECTODERMAL DYSPLASIA; Chondroectodermal dysplasia. Identifiers: Orphanet 289, MedGen C0013903, MONDO:0009162, OMIM 225500.
Curry-Hall syndrome (WAD). Also called: WEYERS ACRODENTAL DYSOSTOSIS. Identifiers: Orphanet 952, MedGen C0457013, MONDO:0008673, OMIM 193530.

Submission:

Labcorp Genetics (formerly Invitae), Labcorp
Classification: Uncertain significance for Curry-Hall syndrome; Ellis-van Creveld syndrome. Last evaluated: 2024-10-07. Review status: criteria provided, single submitter. Criteria: Invitae Variant Classification Sherloc (09022015). Collection method: clinical testing. Allele origin: germline.
Comment: This sequence change replaces glutamic acid, which is acidic and polar, with glutamine, which is neutral and polar, at codon 701 of the EVC2 protein (p.Glu701Gln). This variant is not present in population databases (gnomAD no frequency). This variant has not been reported in the literature in individuals affected with EVC2-related conditions. An algorithm developed to predict the effect of missense changes on protein structure and function (PolyPhen-2) suggests that this variant is likely to be disruptive. In summary, the available evidence is currently insufficient to determine the role of this variant in disease. Therefore, it has been classified as a Variant of Uncertain Significance.

NM_147127.5(EVC2):c.2101G>C (p.Glu701Gln)

Gene: EVC2 (EvC ciliary complex subunit 2; minus strand). Cytogenetic location: 4p16.2.
Variant type: single nucleotide variant.
Coding change: c.2101G>C on transcript NM_147127.5 (MANE Select); coding-DNA position 2101, G replaced by C.
Protein change: p.Glu701Gln; replaces glutamic acid 701 with glutamine.
Molecular consequence: missense variant.
Genome position (GRCh38, 1-based): chr4:5,622,937, C>G on the plus strand (G>C on the coding strand, the complement: EVC2 is on the minus strand). VCF-style: chr4-5622937-C-G. GRCh37 (hg19) VCF-style: chr4-5624664-C-G.
Other names: c.1861G>C, p.Glu621Gln (NM_001166136.2); short protein forms E621Q, E701Q.
Identifiers: ClinVar variation 3749914 (VCV003749914.2).